The following is an entry in ClinVar:

ClinVar aggregate classification (germline): Uncertain significance. Review status: criteria provided, multiple submitters, no conflicts (2 of 4 stars). 2 submissions from 2 submitters: Uncertain significance (2). Last evaluated 2025-10-21.

Conditions:
Inborn genetic diseases. Identifiers: MedGen C0950123, MeSH D030342.

Allele frequency attached by ClinVar (database versions not stated): gnomAD exomes 0.00001; TOPMed 0.00003; ExAC 0.00005; ESP Exome Variant Server 0.00008.

Submissions (2):

Labcorp Genetics (formerly Invitae), Labcorp
Classification: Uncertain significance. Last evaluated: 2025-10-21. Review status: criteria provided, single submitter. Criteria: Invitae Variant Classification Sherloc (09022015). Collection method: clinical testing. Allele origin: germline.
Comment: This sequence change replaces glutamine, which is neutral and polar, with glutamic acid, which is acidic and polar, at codon 66 of the IFITM5 protein (p.Gln66Glu). This variant is present in population databases (rs147113548, gnomAD 0.02%). This variant has not been reported in the literature in individuals affected with IFITM5-related conditions. ClinVar contains an entry for this variant (Variation ID: 2066198). An algorithm developed to predict the effect of missense changes on protein structure and function (PolyPhen-2) suggests that this variant is likely to be tolerated. In summary, the available evidence is currently insufficient to determine the role of this variant in disease. Therefore, it has been classified as a Variant of Uncertain Significance.

Ambry Genetics
Classification: Uncertain significance for Inborn genetic diseases. Last evaluated: 2021-09-16. Review status: criteria provided, single submitter. Criteria: Ambry Variant Classification Scheme 2023. Collection method: clinical testing. Allele origin: germline.

NM_001025295.3(IFITM5):c.196C>G (p.Gln66Glu)

Genes: IFITM5 (interferon induced transmembrane protein 5; minus strand), LOC130005046 (ATAC-STARR-seq lymphoblastoid active region 4259; plus strand). Cytogenetic location: 11p15.5.
Variant type: single nucleotide variant.
Coding change: c.196C>G on transcript NM_001025295.3 (MANE Select); coding-DNA position 196, C replaced by G.
Protein change: p.Gln66Glu; replaces glutamine 66 with glutamic acid.
Molecular consequence: missense variant.
Genome position (GRCh38, 1-based): chr11:298,704, G>C on the plus strand (C>G on the coding strand, the complement: IFITM5 is on the minus strand). VCF-style: chr11-298704-G-C. GRCh37 (hg19) VCF-style: chr11-298704-G-C.
Other names: short protein forms Q66E.
Identifiers: ClinVar variation 2066198 (VCV002066198.5), dbSNP rs147113548, ClinGen allele CA5773427.
Genomic context (GRCh38, chr11:298,704, plus strand): 5'-TGTAGCACTTGGCTTTGGAGCCAAAACGCCGGGCCGCTTCCAGGTCACCAACCACCTTCT[G>C]ATCTCGGGCCTGCAGAGAGACCAGACCACAGGGCCAGATCTCTATGTGTCCTCGGGGCCT-3'
Protein context (NP_001020466.1, residues 56-76): ALAYSIKARD[Gln66Glu]KVVGDLEAAR